The following is an entry in ClinVar:

ClinVar aggregate classification (germline): Uncertain significance (1 of 4 stars; one submission).

Conditions:
46,XY sex reversal 7. Also called: 46,XY GONADAL DYSGENESIS, PARTIAL OR COMPLETE, DHH-RELATED; GONADAL DYSGENESIS, XY, MALE-LIMITED; DHH-Related 46,XY complete gonadal dysgenesis; 46,XY SEX REVERSAL, PARTIAL OR COMPLETE, DHH-RELATED. Identifiers: Orphanet 242, MedGen C1856273, MONDO:0009301, OMIM 233420.

Allele frequency attached by ClinVar (database versions not stated): gnomAD exomes below 0.00001.

Submission:

Labcorp Genetics (formerly Invitae), Labcorp
Classification: Uncertain significance for 46,XY sex reversal 7. Last evaluated: 2021-08-19. Review status: criteria provided, single submitter. Criteria: Invitae Variant Classification Sherloc (09022015). Collection method: clinical testing. Allele origin: germline.
Comment: In summary, the available evidence is currently insufficient to determine the role of this variant in disease. Therefore, it has been classified as a Variant of Uncertain Significance. Algorithms developed to predict the effect of missense changes on protein structure and function are either unavailable or do not agree on the potential impact of this missense change (SIFT: "Deleterious"; PolyPhen-2: "Probably Damaging"; Align-GVGD: "Class C0"). This variant has not been reported in the literature in individuals affected with DHH-related conditions. This variant is not present in population databases (ExAC no frequency). This sequence change replaces aspartic acid with tyrosine at codon 96 of the DHH protein (p.Asp96Tyr). The aspartic acid residue is moderately conserved and there is a large physicochemical difference between aspartic acid and tyrosine.

NM_021044.4(DHH):c.286G>T (p.Asp96Tyr)

Genes: DHH (desert hedgehog signaling molecule; minus strand), DHH-AS1 (DHH antisense RNA 1; plus strand). Cytogenetic location: 12q13.12.
Variant type: single nucleotide variant.
Coding change: c.286G>T on transcript NM_021044.4 (MANE Select); coding-DNA position 286, G replaced by T.
Protein change: p.Asp96Tyr; replaces aspartic acid 96 with tyrosine.
Molecular consequence: missense variant.
Genome position (GRCh38, 1-based): chr12:49,094,227, C>A on the plus strand (G>T on the coding strand, the complement: DHH is on the minus strand). VCF-style: chr12-49094227-C-A. GRCh37 (hg19) VCF-style: chr12-49488010-C-A.
Other names: short protein forms D96Y.
Identifiers: ClinVar variation 1376380 (VCV001376380.6), dbSNP rs1795489232, ClinGen allele CA384725165.